The following is an entry in ClinVar:

ClinVar aggregate classification (germline): Uncertain significance (1 of 4 stars; one submission).

Conditions:
Hereditary cancer-predisposing syndrome. Also called: Tumor predisposition; Hereditary Cancer Syndrome; Hereditary neoplastic syndrome; Neoplastic Syndromes, Hereditary. Identifiers: Orphanet 140162, MedGen C0027672, MeSH D009386, MONDO:0015356.

Allele frequency attached by ClinVar (database versions not stated): gnomAD exomes below 0.00001.
gnomAD v4.1: 1 of 1,613,934 alleles (0.000062%); highest among the groups gnomAD compares: Non-Finnish European, 0.000085%; no homozygotes.

Submission:

Ambry Genetics
Classification: Uncertain significance for Hereditary cancer-predisposing syndrome. Last evaluated: 2023-07-27. Review status: criteria provided, single submitter. Criteria: Ambry Variant Classification Scheme 2023. Collection method: clinical testing. Allele origin: germline.
Comment: The p.M459I variant (also known as c.1377G>A), located in coding exon 10 of the POLD1 gene, results from a G to A substitution at nucleotide position 1377. The methionine at codon 459 is replaced by isoleucine, an amino acid with highly similar properties. This amino acid position is conserved. In addition, this alteration is predicted to be tolerated by in silico analysis. Since supporting evidence is limited at this time, the clinical significance of this alteration remains unclear.

NM_002691.4(POLD1):c.1377G>A (p.Met459Ile)

Gene: POLD1 (DNA polymerase delta 1, catalytic subunit; plus strand). Cytogenetic location: 19q13.33.
Variant type: single nucleotide variant.
Coding change: c.1377G>A on transcript NM_002691.4 (MANE Select); coding-DNA position 1377, G replaced by A.
Protein change: p.Met459Ile; replaces methionine 459 with isoleucine.
Molecular consequence: missense variant. On other transcripts: non-coding transcript variant (1).
Genome position (GRCh38, 1-based): chr19:50,406,316, G>A. VCF-style: chr19-50406316-G-A. GRCh37 (hg19) VCF-style: chr19-50909573-G-A.
Other names: c.1377G>A, p.Met459Ile (NM_001256849.1, NM_001308632.1); short protein forms M459I.
Identifiers: ClinVar variation 2621778 (VCV002621778.2), dbSNP rs2122321952, ClinGen allele CA406979984.